The following is an entry in ClinVar:

ClinVar aggregate classification (germline): Likely pathogenic (1 of 4 stars; one submission).

Allele frequency attached by ClinVar (database versions not stated): TOPMed below 0.00001; gnomAD exomes 0.00001; ExAC 0.00002.
gnomAD v4.1: 18 of 1,613,990 alleles (0.0011%); highest among the groups gnomAD compares: Non-Finnish European, 0.0012%; no homozygotes.

Submission:

Ambry Genetics
Classification: Likely pathogenic. Last evaluated: 2021-07-29. Review status: criteria provided, single submitter. Criteria: Ambry Variant Classification Scheme 2023. Collection method: clinical testing. Allele origin: germline.
Comment: The c.695G>A (p.R232Q) alteration is located in exon 9 of the NMNAT2 gene. This alteration results from a G to A substitution at nucleotide position 695, causing the arginine (R) at amino acid position 232 to be replaced by a glutamine (Q). Based on data from gnomAD, the A allele has an overall frequency of <0.01% (3/251452) total alleles studied. The highest observed frequency was <0.01% (3/113734) of European (non-Finnish) alleles. This amino acid position is highly conserved in available vertebrate species. The p.R232 amino acid is located in the NAD binding pocket of the NMNAT2 enzyme and is found to be crucial for the function of the protein due to its direct interaction with NAD. Homology modeling of this amino acid alteration conducted internally at Ambry Genetics using the published crystal structure of the homologous NMNAT3 protein (Zhang, 2003) indicated that this alteration would disrupt the interaction of NMNAT2 with NAD and thereby its function in the biosynthesis of NAD. This alteration is predicted to be deleterious by in silico analysis. Based on the available evidence, this alteration is classified as likely pathogenic.

Literature cited by the submitters: PubMed 12574164.

NM_015039.4(NMNAT2):c.695G>A (p.Arg232Gln)

Gene: NMNAT2 (nicotinamide nucleotide adenylyltransferase 2; minus strand). Cytogenetic location: 1q25.3.
Variant type: single nucleotide variant.
Coding change: c.695G>A on transcript NM_015039.4 (MANE Select); coding-DNA position 695, G replaced by A.
Protein change: p.Arg232Gln; replaces arginine 232 with glutamine.
Molecular consequence: missense variant.
Genome position (GRCh38, 1-based): chr1:183,261,260, C>T on the plus strand (G>A on the coding strand, the complement: NMNAT2 is on the minus strand). VCF-style: chr1-183261260-C-T. GRCh37 (hg19) VCF-style: chr1-183230395-C-T.
Other names: c.680G>A, p.Arg227Gln (NM_170706.4); short protein forms R232Q, R227Q.
Identifiers: ClinVar variation 520701 (VCV000520701.5), dbSNP rs768849266, ClinGen allele CA1283363.
Genomic context (GRCh38, chr1:183,261,260, plus strand): 5'-ACTTTGTATTTGCGGAGTATTGAGGAGTGATTCATGATTCGGTCTGTGTCGGCTGCATCC[C>T]GGGGCACCACCACAATCCCAAAGTCACCAACAATCACCTCCATCTAAAGAAACAGAGAGA-3'
Protein context (NP_055854.1, residues 222-242): VGDFGIVVVP[Arg232Gln]DAADTDRIMN